The following is an entry in ClinVar:

ClinVar aggregate classification (germline): Likely pathogenic (1 of 4 stars; one submission).

Conditions:
Cystic fibrosis (CF). Also called: MUCOVISCIDOSIS. Identifiers: Orphanet 586, MedGen C0010674, MONDO:0009061, OMIM 219700. Disease mechanism: loss of function.

Submission:

Institute of Human Genetics, University of Leipzig Medical Center
Classification: Likely pathogenic for Cystic fibrosis. Last evaluated: 2022-12-16. Review status: criteria provided, single submitter. Criteria: ACMG Guidelines, 2015. Collection method: curation. Allele origin: unknown. Affected: yes. Observed: 1 variant allele.
Comment: This variant was identified in 3 patients with a clinically confirmed diagnosis of cystic fibrosis. The variant was classified in the context of a project re-classifying variants in the German Cystic Fibrosis Registry (Muko.e.V.). Criteria applied: PM5_STR, PM3, PM2_SUP, PP3, PP4

NM_000492.4(CFTR):c.3809A>T (p.Asp1270Val)

Genes: CFTR (CF transmembrane conductance regulator; plus strand), CFTR-AS2 (CFTR antisense RNA 2; minus strand). Cytogenetic location: 7q31.2.
Variant type: single nucleotide variant.
Coding change: c.3809A>T on transcript NM_000492.4 (MANE Select); coding-DNA position 3809, A replaced by T.
Protein change: p.Asp1270Val; replaces aspartic acid 1270 with valine.
Molecular consequence: missense variant.
Genome position (GRCh38, 1-based): chr7:117,642,529, A>T. VCF-style: chr7-117642529-A-T. GRCh37 (hg19) VCF-style: chr7-117282583-A-T.
Other names: short protein forms D1270V.
Identifiers: ClinVar variation 1706020 (VCV001706020.2), dbSNP rs765549490, ClinGen allele CA368975100.